The following is an entry in ClinVar:

NM_001077365.2(POMT1):c.1202C>T (p.Pro401Leu)

Gene: POMT1 (protein O-mannosyltransferase 1; plus strand). Cytogenetic location: 9q34.13.
Variant type: single nucleotide variant.
Coding change: c.1202C>T on transcript NM_001077365.2 (MANE Select); coding-DNA position 1202, C replaced by T.
Protein change: p.Pro401Leu; replaces proline 401 with leucine.
Molecular consequence: missense variant. On other transcripts: non-coding transcript variant (10).
Genome position (GRCh38, 1-based): chr9:131,515,452, C>T. VCF-style: chr9-131515452-C-T. GRCh37 (hg19) VCF-style: chr9-134390839-C-T.
Other names: p.Pro423Leu; c.1040C>T, p.Pro347Leu (NM_001077366.2, NM_001353194.2); c.1202C>T, p.Pro401Leu (NM_001136113.2, NM_001374690.1); c.851C>T, p.Pro284Leu (NM_001136114.2, NM_001353195.2, NM_001374691.1 and 2 more transcripts); c.1268C>T, p.Pro423Leu (NM_001353193.2, NM_007171.4); c.1112C>T, p.Pro371Leu (NM_001353196.2); c.1106C>T, p.Pro369Leu (NM_001353197.2, NM_001353198.2); c.917C>T, p.Pro306Leu (NM_001353199.2); and 5 more; short protein forms P24L, P271L, P369L, P371L, P397L, P401L, P284L, P347L.
Identifiers: ClinVar variation 2128716 (VCV002128716.5), dbSNP rs201568375, ClinGen allele CA200789667.

ClinVar aggregate classification (germline): Uncertain significance. Review status: criteria provided, multiple submitters, no conflicts (2 of 4 stars). 2 submissions from 2 submitters: Uncertain significance (2). Last evaluated 2024-09-05.

Conditions:
Muscular dystrophy-dystroglycanopathy (congenital with impaired intellectual development), type B, 1. Also called: Muscular dystrophy-dystroglycanopathy (congenital with intellectual disability), type B1; MUSCULAR DYSTROPHY, CONGENITAL, POMT1-RELATED. Identifiers: MedGen C5436962, MONDO:0013159, OMIM 613155.
Walker-Warburg congenital muscular dystrophy. Also called: Muscular dystrophy-dystroglycanopathy, type A; Walker-Warburg syndrome. Identifiers: Orphanet 899, MedGen C0265221, MONDO:0000171.
Autosomal recessive limb-girdle muscular dystrophy type 2K. Also called: MUSCULAR DYSTROPHY-DYSTROGLYCANOPATHY (LIMB-GIRDLE), TYPE C, 1; MUSCULAR DYSTROPHY, LIMB-GIRDLE, TYPE 2K. Identifiers: Orphanet 86812, MedGen C1836373, MONDO:0012248, OMIM 609308.

Allele frequency attached by ClinVar (database versions not stated): gnomAD 0.00001; 1000 Genomes Project 30x 0.00016; 1000 Genomes Project 0.00020.
gnomAD v4.1: 1 of 1,614,210 alleles (0.000062%); highest among the groups gnomAD compares: East Asian, 0.0022%; no homozygotes.

Submissions (2):

Mayo Clinic Laboratories, Mayo Clinic
Classification: Uncertain significance. Last evaluated: 2024-09-05. Review status: criteria provided, single submitter. Criteria: ACMG Guidelines, 2015. Collection method: clinical testing. Allele origin: germline. Observed: 1 variant allele.
Comment: PM2

Labcorp Genetics (formerly Invitae), Labcorp
Classification: Uncertain significance for Muscular dystrophy-dystroglycanopathy (congenital with impaired intellectual development), type B, 1; Walker-Warburg congenital muscular dystrophy; Autosomal recessive limb-girdle muscular dystrophy type 2K. Last evaluated: 2024-05-20. Review status: criteria provided, single submitter. Criteria: Invitae Variant Classification Sherloc (09022015). Collection method: clinical testing. Allele origin: germline.
Comment: This sequence change replaces proline, which is neutral and non-polar, with leucine, which is neutral and non-polar, at codon 423 of the POMT1 protein (p.Pro423Leu). This variant is not present in population databases (gnomAD no frequency). This variant has not been reported in the literature in individuals affected with POMT1-related conditions. ClinVar contains an entry for this variant (Variation ID: 2128716). Advanced modeling of protein sequence and biophysical properties (such as structural, functional, and spatial information, amino acid conservation, physicochemical variation, residue mobility, and thermodynamic stability) has been performed at Invitae for this missense variant, however the output from this modeling did not meet the statistical confidence thresholds required to predict the impact of this variant on POMT1 protein function. In summary, the available evidence is currently insufficient to determine the role of this variant in disease. Therefore, it has been classified as a Variant of Uncertain Significance.